The following is an entry in ClinVar:

NM_000061.3(BTK):c.138dup (p.Gly47fs)

Gene: BTK (Bruton tyrosine kinase; minus strand). Cytogenetic location: Xq22.1.
Variant type: Duplication.
Coding change: c.138dup on transcript NM_000061.3 (MANE Select); coding-DNA position 138, one base duplicated (T; older notation c.138dupT).
Protein change: p.Gly47fs; shifts the reading frame from glycine 47.
Molecular consequence: frameshift variant.
Genome position (GRCh38, 1-based): chrX:101,375,147, A duplicated on the plus strand (T on the coding strand, the reverse complement: BTK is on the minus strand). VCF-style (leftmost placement, unchanged base first): chrX-101375146-C-CA. GRCh37 (hg19) VCF-style: chrX-100630134-C-CA.
Other names: c.240dup, p.Gly81fs (NM_001287344.2); c.138dup, p.Gly47fs (NM_001287345.2); short protein forms G81fs, G47fs.
Identifiers: ClinVar variation 1456614 (VCV001456614.6), dbSNP rs2147448137, ClinGen allele CA2573159073.

ClinVar aggregate classification (germline): Pathogenic (1 of 4 stars; one submission).

Conditions:
X-linked agammaglobulinemia with growth hormone deficiency (IGHD3). Also called: IGHD III; AGAMMAGLOBULINEMIA AND ISOLATED GROWTH HORMONE DEFICIENCY, X-LINKED; FLEISHER SYNDROME; HYPOGAMMAGLOBULINEMIA AND ISOLATED GROWTH HORMONE DEFICIENCY, X-LINKED; Isolated growth hormone deficiency type 3; Growth hormone deficiency with hypogammaglobulinemia. Identifiers: Orphanet 231692, Orphanet 631, MedGen C0472813, MONDO:0010615, OMIM 307200.

Submission:

Labcorp Genetics (formerly Invitae), Labcorp
Classification: Pathogenic for X-linked agammaglobulinemia with growth hormone deficiency. Last evaluated: 2021-10-25. Review status: criteria provided, single submitter. Criteria: Invitae Variant Classification Sherloc (09022015). Collection method: clinical testing. Allele origin: germline.
Comment: For these reasons, this variant has been classified as Pathogenic. This variant has not been reported in the literature in individuals affected with BTK-related conditions. This variant is not present in population databases (ExAC no frequency). This sequence change creates a premature translational stop signal (p.Gly47Trpfs*6) in the BTK gene. It is expected to result in an absent or disrupted protein product. Loss-of-function variants in BTK are known to be pathogenic (PMID: 15661032, 16862044, 19419768).

Literature cited by the submitters: PubMed 15661032; PubMed 16862044; PubMed 19419768.